The following is an entry in ClinVar:

ClinVar aggregate classification (germline): Uncertain significance (1 of 4 stars; one submission).

Conditions:
PRPH2-related disorder. Also called: PRPH2-related disorders; PRPH2-related condition. Identifiers: MedGen CN239395.

Submission:

Labcorp Genetics (formerly Invitae), Labcorp
Classification: Uncertain significance for PRPH2-related disorder. Last evaluated: 2025-08-22. Review status: criteria provided, single submitter. Criteria: Invitae Variant Classification Sherloc (09022015). Collection method: clinical testing. Allele origin: germline.
Comment: This sequence change replaces threonine, which is neutral and polar, with proline, which is neutral and non-polar, at codon 269 of the PRPH2 protein (p.Thr269Pro). This variant is not present in population databases (gnomAD no frequency). This variant has not been reported in the literature in individuals affected with PRPH2-related conditions. Invitae Evidence Modeling of protein sequence and biophysical properties (such as structural, functional, and spatial information, amino acid conservation, physicochemical variation, residue mobility, and thermodynamic stability) indicates that this missense variant is not expected to disrupt PRPH2 protein function with a negative predictive value of 95%. In summary, the available evidence is currently insufficient to determine the role of this variant in disease. Therefore, it has been classified as a Variant of Uncertain Significance.

NM_000322.5(PRPH2):c.805A>C (p.Thr269Pro)

Gene: PRPH2 (peripherin 2; minus strand). Cytogenetic location: 6p21.1.
Variant type: single nucleotide variant.
Coding change: c.805A>C on transcript NM_000322.5 (MANE Select); coding-DNA position 805, A replaced by C.
Protein change: p.Thr269Pro; replaces threonine 269 with proline.
Molecular consequence: missense variant.
Genome position (GRCh38, 1-based): chr6:42,704,388, T>G on the plus strand (A>C on the coding strand, the complement: PRPH2 is on the minus strand). VCF-style: chr6-42704388-T-G. GRCh37 (hg19) VCF-style: chr6-42672126-T-G.
Other names: short protein forms T269P.
Identifiers: ClinVar variation 4801342 (VCV004801342.1).